The following is an entry in ClinVar:

NM_000548.5(TSC2):c.2397C>G (p.Arg799=)

Gene: TSC2 (TSC complex subunit 2; plus strand). Cytogenetic location: 16p13.3.
Variant type: single nucleotide variant.
Coding change: c.2397C>G on transcript NM_000548.5 (MANE Select); coding-DNA position 2397, C replaced by G.
Protein change: p.Arg799=; no amino-acid change (arginine 799 retained).
Molecular consequence: synonymous variant. On other transcripts: non-coding transcript variant (5).
Genome position (GRCh38, 1-based): chr16:2,074,241, C>G. VCF-style: chr16-2074241-C-G. GRCh37 (hg19) VCF-style: chr16-2124242-C-G.
Other names: c.2397C>G, p.Arg799= (NM_001077183.3, NM_001114382.3, NM_001363528.2 and 6 more transcripts); c.2286C>G, p.Arg762= (NM_001318827.2, NM_001406670.1, NM_001406678.1); c.2250C>G, p.Arg750= (NM_001318829.2, NM_001406675.1, NM_001406676.1 and 1 more transcripts); c.1797C>G, p.Arg599= (NM_001318831.2, NM_001406680.1, NM_001406682.1 and 6 more transcripts); c.2430C>G, p.Arg810= (NM_001318832.2); c.2487C>G, p.Arg829= (NM_001406667.1, NM_001406668.1); c.2385C>G, p.Arg795= (NM_001406671.1, NM_001406673.1); c.2340C>G, p.Arg780= (NM_001406677.1); and 3 more.
Identifiers: ClinVar variation 2454984 (VCV002454984.3), dbSNP rs2151348621, ClinGen allele CA492953048.

ClinVar aggregate classification (germline): Benign/Likely benign. Review status: criteria provided, multiple submitters, no conflicts (2 of 4 stars). 2 submissions from 2 submitters: Benign (1); Likely benign (1). Last evaluated 2025-05-20.

Conditions:
Hereditary cancer-predisposing syndrome. Also called: Hereditary neoplastic syndrome; Tumor predisposition; Neoplastic Syndromes, Hereditary; Hereditary Cancer Syndrome. Identifiers: Orphanet 140162, MedGen C0027672, MeSH D009386, MONDO:0015356.
Tuberous sclerosis 2 (TSC2). Identifiers: Orphanet 805, MedGen C1860707, MONDO:0013199, OMIM 613254.

Submissions (2):

Myriad Genetics, Inc.
Classification: Benign for Tuberous sclerosis 2. Last evaluated: 2025-05-20. Review status: criteria provided, single submitter. Criteria: Myriad Autosomal Dominant, Autosomal Recessive and X-Linked Classification Criteria (2023). Collection method: clinical testing. Allele origin: unknown.
Comment: This variant is considered benign. This variant is a silent/synonymous amino acid change and it is not expected to impact splicing.

Ambry Genetics
Classification: Likely benign for Hereditary cancer-predisposing syndrome. Last evaluated: 2022-11-06. Review status: criteria provided, single submitter. Criteria: Ambry Variant Classification Scheme 2023. Collection method: clinical testing. Allele origin: germline.